The following is an entry in ClinVar:

NM_001382637.1(OTUD7A):c.2496G>A (p.Ser832=)

Gene: OTUD7A (OTU deubiquitinase 7A; minus strand). Cytogenetic location: 15q13.3.
Variant type: single nucleotide variant.
Coding change: c.2496G>A on transcript NM_001382637.1 (MANE Select); coding-DNA position 2496, G replaced by A.
Protein change: p.Ser832=; no amino-acid change (serine 832 retained).
Molecular consequence: synonymous variant.
Genome position (GRCh38, 1-based): chr15:31,483,600, C>T on the plus strand (G>A on the coding strand, the complement: OTUD7A is on the minus strand). VCF-style: chr15-31483600-C-T. GRCh37 (hg19) VCF-style: chr15-31775803-C-T.
Other names: c.2475G>A, p.Ser825= (NM_130901.3).
Identifiers: ClinVar variation 3033632 (VCV003033632.3), dbSNP rs78774681, ClinGen allele CA7453393.
Genomic context (GRCh38, chr15:31,483,600, plus strand): 5'-CTCGGCCGCCCCCGCCGTCCCCGCCGCGCCCGGTAGGGCCCCGGGCACCGCGCGCGCCAG[C>T]GACTCGACCGTGTTGACGGTGCGCAGGGCGGCGGCGCGCGCCGGGCTGTAGCTCTGCGAC-3'
Protein context (NP_001369566.1, residues 822-842): AALRTVNTVE[Ser832=]LARAVPGALP

ClinVar aggregate classification (germline): Likely benign. Review status: criteria provided, single submitter (1 of 4 stars). 2 submissions from 2 submitters: Likely benign (1). 1 of the submissions does not count toward it. Last evaluated 2024-11-26.

Conditions:
OTUD7A-related disorder. Also called: OTUD7A-related condition.

Allele frequency attached by ClinVar (database versions not stated): gnomAD exomes 0.00063; ExAC 0.00245; 1000 Genomes Project 0.00958; 1000 Genomes Project 30x 0.01218.
gnomAD v4.1: 1,887 of 1,223,872 alleles (0.15%); highest among the groups gnomAD compares: African/African-American, 2.8%; 16 homozygotes.

Submissions (2):

Blueprint Genetics
Classification: Likely benign. Last evaluated: 2024-11-26. Review status: criteria provided, single submitter. Criteria: ACMG Guidelines, 2015. Collection method: clinical testing. Allele origin: germline.

PreventionGenetics, part of Exact Sciences
Classification: Benign for OTUD7A-related condition. Last evaluated: 2019-07-12. Review status: no assertion criteria provided. Collection method: clinical testing. Allele origin: germline. Not counted in ClinVar's aggregate classification.
Comment: This variant is classified as benign based on ACMG/AMP sequence variant interpretation guidelines (Richards et al. 2015 PMID: 25741868, with internal and published modifications).